The following is an entry in ClinVar:

ClinVar aggregate classification (germline): Uncertain significance (1 of 4 stars; one submission).

Conditions:
Amyotrophic lateral sclerosis type 12 (ALS12). Also called: AMYOTROPHIC LATERAL SCLEROSIS 12 WITH OR WITHOUT FRONTOTEMPORAL DEMENTIA. Identifiers: Orphanet 803, MedGen C3150692, MONDO:0013264, OMIM 613435.
Primary open angle glaucoma (POAG). Also called: OPTN-related open angle glaucoma. Identifiers: MedGen C0339573, MONDO:0100553, OMIM 137760.
Glaucoma 1, open angle, E. Identifiers: MedGen C1842026, MONDO:0007665.

Submission:

Labcorp Genetics (formerly Invitae), Labcorp
Classification: Uncertain significance for Primary open angle glaucoma; Glaucoma 1, open angle, E; Amyotrophic lateral sclerosis type 12. Last evaluated: 2024-09-09. Review status: criteria provided, single submitter. Criteria: Invitae Variant Classification Sherloc (09022015). Collection method: clinical testing. Allele origin: germline.
Comment: This sequence change replaces asparagine, which is neutral and polar, with serine, which is neutral and polar, at codon 503 of the OPTN protein (p.Asn503Ser). This variant is present in population databases (rs759056347, gnomAD 0.01%). This missense change has been observed in individual(s) with frontotemporal dementia (PMID: 30054184). Invitae Evidence Modeling of protein sequence and biophysical properties (such as structural, functional, and spatial information, amino acid conservation, physicochemical variation, residue mobility, and thermodynamic stability) indicates that this missense variant is not expected to disrupt OPTN protein function with a negative predictive value of 80%. In summary, the available evidence is currently insufficient to determine the role of this variant in disease. Therefore, it has been classified as a Variant of Uncertain Significance.

Literature cited by the submitters: PubMed 30054184.

NM_001008212.2(OPTN):c.1508A>G (p.Asn503Ser)

Gene: OPTN (optineurin; plus strand). Cytogenetic location: 10p13.
Variant type: single nucleotide variant.
Coding change: c.1508A>G on transcript NM_001008212.2 (MANE Select); coding-DNA position 1508, A replaced by G.
Protein change: p.Asn503Ser; replaces asparagine 503 with serine.
Molecular consequence: missense variant.
Genome position (GRCh38, 1-based): chr10:13,132,173, A>G. VCF-style: chr10-13132173-A-G. GRCh37 (hg19) VCF-style: chr10-13174173-A-G.
Other names: c.1508A>G, p.Asn503Ser (NM_001008211.1, NM_001008213.1, NM_021980.4); short protein forms N503S.
Identifiers: ClinVar variation 3758119 (VCV003758119.2).